The following is an entry in ClinVar:

NM_024685.4(BBS10):c.1412A>T (p.Asp471Val)

Gene: BBS10 (Bardet-Biedl syndrome 10; minus strand). Cytogenetic location: 12q21.2.
Variant type: single nucleotide variant.
Coding change: c.1412A>T on transcript NM_024685.4 (MANE Select); coding-DNA position 1412, A replaced by T.
Protein change: p.Asp471Val; replaces aspartic acid 471 with valine.
Molecular consequence: missense variant.
Genome position (GRCh38, 1-based): chr12:76,346,573, T>A on the plus strand (A>T on the coding strand, the complement: BBS10 is on the minus strand). VCF-style: chr12-76346573-T-A. GRCh37 (hg19) VCF-style: chr12-76740353-T-A.
Other names: short protein forms D471V.
Identifiers: ClinVar variation 695237 (VCV000695237.15), dbSNP rs200718870, ClinGen allele CA6694178.

ClinVar aggregate classification (germline): Conflicting classifications of pathogenicity. Review status: criteria provided, conflicting classifications (1 of 4 stars). 5 submissions from 5 submitters: Uncertain significance (2); Likely benign (2). 1 of the submissions does not count toward it. Last evaluated 2025-10-13.

Conditions:
Bardet-Biedl syndrome 10 (BBS10). Identifiers: Orphanet 110, MedGen C1859568, MONDO:0014438, OMIM 615987.
Bardet-Biedl syndrome (BBS). Identifiers: Orphanet 110, MedGen C0752166, MONDO:0015229.
BBS10-related disorder. Also called: BBS10-related condition.

Allele frequency attached by ClinVar (database versions not stated): gnomAD 0.00004 and 0.00005; gnomAD exomes 0.00004 and 0.00017; TOPMed 0.00009; ExAC 0.00016; 1000 Genomes Project 30x 0.00031; 1000 Genomes Project 0.00040.
gnomAD v4.1: 67 of 1,614,152 alleles (0.0042%); highest among the groups gnomAD compares: East Asian, 0.12%; no homozygotes.

Submissions (5):

Labcorp Genetics (formerly Invitae), Labcorp
Classification: Likely benign for Bardet-Biedl syndrome. Last evaluated: 2025-10-13. Review status: criteria provided, single submitter. Criteria: Invitae Variant Classification Sherloc (09022015). Collection method: clinical testing. Allele origin: germline.

PreventionGenetics, part of Exact Sciences
Classification: Likely benign for BBS10-related condition. Last evaluated: 2025-04-11. Review status: criteria provided, single submitter. Criteria: ACMG Guidelines, 2015. Collection method: clinical testing. Allele origin: germline.
Comment: This variant is classified as likely benign based on ACMG/AMP sequence variant interpretation guidelines (Richards et al. 2015 PMID: 25741868, with internal and published modifications).

Blueprint Genetics
Classification: Uncertain significance. Last evaluated: 2024-08-26. Review status: criteria provided, single submitter. Criteria: ACMG Guidelines, 2015. Collection method: clinical testing. Allele origin: germline.

Fulgent Genetics
Classification: Uncertain significance for Bardet-Biedl syndrome 10. Last evaluated: 2023-12-29. Review status: criteria provided, single submitter. Criteria: ACMG Guidelines, 2015. Collection method: clinical testing. Allele origin: germline.

Natera, Inc.
Classification: Likely benign for Bardet-Biedl syndrome type 10. Last evaluated: 2020-09-16. Review status: no assertion criteria provided. Collection method: clinical testing. Allele origin: germline. Not counted in ClinVar's aggregate classification.